The following is an entry in ClinVar:

ClinVar aggregate classification (germline): Benign/Likely benign. Review status: criteria provided, multiple submitters, no conflicts (2 of 4 stars). 9 submissions from 9 submitters: Benign (8); Likely benign (1). Last evaluated 2026-02-04.

Conditions:
IL21-related infantile inflammatory bowel disease. Also called: Common variable immunodeficiency 11; IL21 DEFICIENCY. Identifiers: Orphanet 238569, Orphanet 477661, MedGen C5567788, MONDO:0014338, OMIM 615767.

Allele frequency attached by ClinVar (database versions not stated): gnomAD exomes 0.70768 and 0.74405; ExAC 0.74336; gnomAD 0.76501 and 0.76814; ESP Exome Variant Server 0.76534; TOPMed 0.79338; 1000 Genomes Project 0.84046; 1000 Genomes Project 30x 0.84369.
gnomAD v4.1: 1,150,834 of 1,610,618 alleles (71%); highest among the groups gnomAD compares: African/African-American, 93%; 417,225 homozygotes.

Submissions (9):

Labcorp Genetics (formerly Invitae), Labcorp
Classification: Benign. Last evaluated: 2026-02-04. Review status: criteria provided, single submitter. Criteria: Invitae Variant Classification Sherloc (09022015). Collection method: clinical testing. Allele origin: germline.

Women's Health and Genetics/Laboratory Corporation of America, LabCorp
Classification: Benign. Last evaluated: 2026-01-21. Review status: criteria provided, single submitter. Criteria: LabCorp Variant Classification Summary - May 2015. Collection method: clinical testing. Allele origin: germline.

Blueprint Genetics
Classification: Likely benign. Last evaluated: 2024-11-26. Review status: criteria provided, single submitter. Criteria: ACMG Guidelines, 2015. Collection method: clinical testing. Allele origin: germline.

Unidad de Genómica Garrahan, Hospital de Pediatría Garrahan
Classification: Benign. Last evaluated: 2023-11-12. Review status: criteria provided, single submitter. Criteria: ACMG Guidelines, 2015. Collection method: clinical testing. Allele origin: germline. Affected: no. Observed: 93 variant alleles.
Comment: This variant is classified as Benign based on local population frequency. This variant was detected in 97% of patients studied by a panel of primary immunodeficiencies. Number of patients: 93. Only high quality variants are reported.

Genome-Nilou Lab
Classification: Benign for IL21-related infantile inflammatory bowel disease. Last evaluated: 2021-08-19. Review status: criteria provided, single submitter. Criteria: ACMG Guidelines, 2015. Collection method: clinical testing. Allele origin: germline. Affected: no.

GeneDx
Classification: Benign. Last evaluated: 2021-06-09. Review status: criteria provided, single submitter. Criteria: GeneDx Variant Classification Process June 2021. Collection method: clinical testing. Allele origin: germline. Affected: yes.
Comment: This variant is associated with the following publications: (PMID: 18802358)

Mayo Clinic Laboratories, Mayo Clinic
Classification: Benign. Last evaluated: 2018-03-21. Review status: criteria provided, single submitter. Criteria: ACMG Guidelines, 2015. Collection method: clinical testing. Allele origin: germline. Observed: 415 variant alleles.

Laboratory for Molecular Medicine, Mass General Brigham Personalized Medicine
Classification: Benign. Last evaluated: 2016-03-29. Review status: criteria provided, single submitter. Criteria: LMM Criteria. Collection method: clinical testing. Allele origin: germline.
Comment: Variant identified in a genome or exome case(s) and assessed due to predicted null impact of the variant or pathogenic assertions in the literature or databases. Disclaimer: This variant has not undergone full assessment. The following are preliminary notes: Frequency

Breakthrough Genomics
Classification: Benign. Review status: criteria provided, single submitter. Criteria: ACMG Guidelines, 2015. Collection method: not provided. Allele origin: germline. Inheritance: Autosomal recessive inheritance. Affected: yes.

NM_021803.4(IL21):c.234C>T (p.Cys78=)

Gene: IL21 (interleukin 21; minus strand). Cytogenetic location: 4q27.
Variant type: single nucleotide variant.
Coding change: c.234C>T on transcript NM_021803.4 (MANE Select); coding-DNA position 234, C replaced by T.
Protein change: p.Cys78=; no amino-acid change (cysteine 78 retained).
Molecular consequence: synonymous variant.
Genome position (GRCh38, 1-based): chr4:122,615,808, G>A on the plus strand (C>T on the coding strand, the complement: IL21 is on the minus strand). VCF-style: chr4-122615808-G-A. GRCh37 (hg19) VCF-style: chr4-123536963-G-A.
Other names: p.Cys78=; c.234C>T, p.Cys78= (NM_001207006.3).
Identifiers: ClinVar variation 402975 (VCV000402975.22), dbSNP rs4833837, ClinGen allele CA3069142.